The following is an entry in ClinVar:

ClinVar aggregate classification (germline): Conflicting classifications of pathogenicity. Review status: criteria provided, conflicting classifications (1 of 4 stars). 2 submissions from 2 submitters: Pathogenic (1); Uncertain significance (1). Last evaluated 2025-12-08.

Conditions:
Spastic paraplegia. Identifiers: MedGen C0037772, HP:0001258.
Hereditary spastic paraplegia 10 (SPG10). Also called: SPASTIC PARAPLEGIA 10, AUTOSOMAL DOMINANT; SPASTIC PARAPLEGIA 10 WITH OR WITHOUT PERIPHERAL NEUROPATHY; SPASTIC PARAPLEGIA 10 WITH PERIPHERAL NEUROPATHY. Identifiers: Orphanet 100991, MedGen C1858712, MONDO:0011408, OMIM 604187.

Submissions (2):

Labcorp Genetics (formerly Invitae), Labcorp
Classification: Uncertain significance for Spastic paraplegia. Last evaluated: 2025-12-08. Review status: criteria provided, single submitter. Criteria: Invitae Variant Classification Sherloc (09022015). Collection method: clinical testing. Allele origin: germline.
Comment: This sequence change replaces isoleucine, which is neutral and non-polar, with valine, which is neutral and non-polar, at codon 255 of the KIF5A protein (p.Ile255Val). This variant is not present in population databases (gnomAD no frequency). This missense change has been observed in individual(s) with hereditary spastic paraplegia (PMID: 34983064). ClinVar contains an entry for this variant (Variation ID: 989070). Invitae Evidence Modeling of protein sequence and biophysical properties (such as structural, functional, and spatial information, amino acid conservation, physicochemical variation, residue mobility, and thermodynamic stability) has been performed for this missense variant. However, the output from this modeling did not meet the statistical confidence thresholds required to predict the impact of this variant on KIF5A protein function. In summary, the available evidence is currently insufficient to determine the role of this variant in disease. Therefore, it has been classified as a Variant of Uncertain Significance.

Paris Brain Institute, Inserm - ICM
Classification: Pathogenic for Hereditary spastic paraplegia 10. Review status: criteria provided, single submitter. Criteria: ACMG Guidelines, 2015. Collection method: clinical testing. Allele origin: unknown. Affected: yes. Observed: 1 variant allele.

Literature cited by the submitters: PubMed 34983064 (cited by Labcorp Genetics (formerly Invitae), Labcorp).

NM_004984.4(KIF5A):c.763A>G (p.Ile255Val)

Gene: KIF5A (kinesin family member 5A; plus strand). Cytogenetic location: 12q13.3.
Variant type: single nucleotide variant.
Coding change: c.763A>G on transcript NM_004984.4 (MANE Select); coding-DNA position 763, A replaced by G.
Protein change: p.Ile255Val; replaces isoleucine 255 with valine.
Molecular consequence: missense variant.
Genome position (GRCh38, 1-based): chr12:57,569,011, A>G. VCF-style: chr12-57569011-A-G. GRCh37 (hg19) VCF-style: chr12-57962794-A-G.
Other names: c.496A>G, p.Ile166Val (NM_001354705.2); short protein forms I166V, I255V.
Identifiers: ClinVar variation 989070 (VCV000989070.9), dbSNP rs2140162576, ClinGen allele CA385500019.